The following is an entry in ClinVar:

ClinVar aggregate classification (germline): Uncertain significance. Review status: criteria provided, multiple submitters, no conflicts (2 of 4 stars). 2 submissions from 2 submitters: Uncertain significance (2). Last evaluated 2025-09-20.

Conditions:
Hereditary cancer-predisposing syndrome. Also called: Tumor predisposition; Neoplastic Syndromes, Hereditary; Hereditary neoplastic syndrome; Hereditary Cancer Syndrome. Identifiers: Orphanet 140162, MedGen C0027672, MeSH D009386, MONDO:0015356.

Submissions (2):

Ambry Genetics
Classification: Uncertain significance for Hereditary cancer-predisposing syndrome. Last evaluated: 2025-09-20. Review status: criteria provided, single submitter. Criteria: Ambry Variant Classification Scheme 2023. Collection method: clinical testing. Allele origin: germline.
Comment: The p.E1605D variant (also known as c.4815A>C), located in coding exon 37 of the POLE gene, results from an A to C substitution at nucleotide position 4815. The glutamic acid at codon 1605 is replaced by aspartic acid, an amino acid with highly similar properties. This amino acid position is conserved. In addition, this alteration is predicted to be tolerated by in silico analysis. Based on the available evidence, the clinical significance of this variant remains unclear.

Labcorp Genetics (formerly Invitae), Labcorp
Classification: Uncertain significance. Last evaluated: 2021-06-20. Review status: criteria provided, single submitter. Criteria: Invitae Variant Classification Sherloc (09022015). Collection method: clinical testing. Allele origin: germline.
Comment: In summary, the available evidence is currently insufficient to determine the role of this variant in disease. Therefore, it has been classified as a Variant of Uncertain Significance. Algorithms developed to predict the effect of missense changes on protein structure and function (SIFT, PolyPhen-2, Align-GVGD) all suggest that this variant is likely to be tolerated, but these predictions have not been confirmed by published functional studies and their clinical significance is uncertain. This variant has not been reported in the literature in individuals with POLE-related conditions. This variant is not present in population databases (ExAC no frequency). This sequence change replaces glutamic acid with aspartic acid at codon 1605 of the POLE protein (p.Glu1605Asp). The glutamic acid residue is highly conserved and there is a small physicochemical difference between glutamic acid and aspartic acid.

NM_006231.4(POLE):c.4815A>C (p.Glu1605Asp)

Gene: POLE (DNA polymerase epsilon, catalytic subunit; minus strand). Cytogenetic location: 12q24.33.
Variant type: single nucleotide variant.
Coding change: c.4815A>C on transcript NM_006231.4 (MANE Select); coding-DNA position 4815, A replaced by C.
Protein change: p.Glu1605Asp; replaces glutamic acid 1605 with aspartic acid.
Molecular consequence: missense variant.
Genome position (GRCh38, 1-based): chr12:132,642,643, T>G on the plus strand (A>C on the coding strand, the complement: POLE is on the minus strand). VCF-style: chr12-132642643-T-G. GRCh37 (hg19) VCF-style: chr12-133219229-T-G.
Other names: c.4815A>C (NM_006231.2); short protein forms E1605D.
Identifiers: ClinVar variation 1514547 (VCV001514547.9), dbSNP rs2138535760, ClinGen allele CA387378302.